The following is an entry in ClinVar:

ClinVar aggregate classification (germline): Uncertain significance (1 of 4 stars; one submission).

gnomAD v4.1: 3 of 1,613,996 alleles (0.00019%); highest among the groups gnomAD compares: Non-Finnish European, 0.00025%; no homozygotes.

Submission:

Labcorp Genetics (formerly Invitae), Labcorp
Classification: Uncertain significance. Last evaluated: 2025-03-23. Review status: criteria provided, single submitter. Criteria: Invitae Variant Classification Sherloc (09022015). Collection method: clinical testing. Allele origin: germline.
Comment: This sequence change replaces proline, which is neutral and non-polar, with threonine, which is neutral and polar, at codon 362 of the KMT2A protein (p.Pro362Thr). This variant is not present in population databases (gnomAD no frequency). This variant has not been reported in the literature in individuals affected with KMT2A-related conditions. Invitae Evidence Modeling of protein sequence and biophysical properties (such as structural, functional, and spatial information, amino acid conservation, physicochemical variation, residue mobility, and thermodynamic stability) indicates that this missense variant is expected to disrupt KMT2A protein function with a positive predictive value of 95%. In summary, the available evidence is currently insufficient to determine the role of this variant in disease. Therefore, it has been classified as a Variant of Uncertain Significance.

NM_001197104.2(KMT2A):c.1084C>A (p.Pro362Thr)

Gene: KMT2A (lysine methyltransferase 2A; plus strand). Cytogenetic location: 11q23.3.
Variant type: single nucleotide variant.
Coding change: c.1084C>A on transcript NM_001197104.2 (MANE Select); coding-DNA position 1084, C replaced by A.
Protein change: p.Pro362Thr; replaces proline 362 with threonine.
Molecular consequence: missense variant.
Genome position (GRCh38, 1-based): chr11:118,472,243, C>A. VCF-style: chr11-118472243-C-A. GRCh37 (hg19) VCF-style: chr11-118342958-C-A.
Other names: c.1183C>A, p.Pro395Thr (NM_001412597.1); c.1084C>A, p.Pro362Thr (NM_005933.4); short protein forms P395T, P362T.
Identifiers: ClinVar variation 4748145 (VCV004748145.1).